The following is an entry in ClinVar:

ClinVar aggregate classification (germline): Conflicting classifications of pathogenicity. Review status: criteria provided, conflicting classifications (1 of 4 stars). 4 submissions from 3 submitters: Uncertain significance (2); Benign (1). 1 of the submissions does not count toward it. Last evaluated 2026-01-21.

Conditions:
Congenital glaucoma. Identifiers: MedGen C0020302, MONDO:0020366.
CYP1B1-related disorder. Also called: CYP1B1-Related Disorders. Identifiers: MedGen CN239260.
Irido-corneo-trabecular dysgenesis (ASGD5). Also called: ANTERIOR SEGMENT DYSGENESIS 5. Identifiers: Orphanet 708, MedGen C0344559, MONDO:0011414, OMIM 604229, HP:0000659.
Glaucoma 3A. Also called: Glaucoma 3, primary congenital, A. Identifiers: Orphanet 98976, Orphanet 98977, MedGen C1856439, MONDO:0009277, OMIM 231300.

Allele frequency attached by ClinVar (database versions not stated): ESP Exome Variant Server 0.00178; gnomAD 0.00191; 1000 Genomes Project 0.00200; TOPMed 0.00233; 1000 Genomes Project 30x 0.00234.
gnomAD v4.1: 735 of 1,592,996 alleles (0.046%); highest among the groups gnomAD compares: African/African-American, 0.71%; 3 homozygotes.

Submissions (5):

Labcorp Genetics (formerly Invitae), Labcorp
Classification: Benign for Congenital glaucoma. Last evaluated: 2026-01-21. Review status: criteria provided, single submitter. Criteria: Invitae Variant Classification Sherloc (09022015). Collection method: clinical testing. Allele origin: germline.

Illumina Laboratory Services, Illumina
Classification: Uncertain significance for Glaucoma 3A. Last evaluated: 2018-01-12. Review status: criteria provided, single submitter. Criteria: ICSL Variant Classification Criteria 13 December 2019. Collection method: clinical testing. Allele origin: germline.

Illumina Laboratory Services, Illumina
Classification: Uncertain significance for Irido-corneo-trabecular dysgenesis. Last evaluated: 2018-01-12. Review status: criteria provided, single submitter. Criteria: ICSL Variant Classification Criteria 13 December 2019. Collection method: clinical testing. Allele origin: germline.

PreventionGenetics, part of Exact Sciences
Classification: Likely benign for CYP1B1-related condition. Last evaluated: 2019-10-29. Review status: no assertion criteria provided. Collection method: clinical testing. Allele origin: germline. Not counted in ClinVar's aggregate classification.
Comment: This variant is classified as likely benign based on ACMG/AMP sequence variant interpretation guidelines (Richards et al. 2015 PMID: 25741868, with internal and published modifications).

Dr. Peter K. Rogan Lab, Western University
No classification provided (evidence only). Condition: Sarcoma. Review status: no classification provided. Collection method: in vitro. Allele origin: not applicable. Functional consequence: retained intron. Not counted in ClinVar's aggregate classification.

NM_000104.4(CYP1B1):c.147C>A (p.Ser49=)

Gene: CYP1B1 (cytochrome P450 family 1 subfamily B member 1; minus strand). Cytogenetic location: 2p22.2.
Variant type: single nucleotide variant.
Coding change: c.147C>A on transcript NM_000104.4 (MANE Select); coding-DNA position 147, C replaced by A.
Protein change: p.Ser49=; no amino-acid change (serine 49 retained).
Molecular consequence: synonymous variant.
Genome position (GRCh38, 1-based): chr2:38,075,242, G>T on the plus strand (C>A on the coding strand, the complement: CYP1B1 is on the minus strand). VCF-style: chr2-38075242-G-T. GRCh37 (hg19) VCF-style: chr2-38302385-G-T.
Identifiers: ClinVar variation 707027 (VCV000707027.16), dbSNP rs4987137, ClinGen allele CA1620101.
Genomic context (GRCh38, chr2:38,075,242, plus strand): 5'-CGCCTGGCCCACCGCCGCCGCGTTTCCGATCAGTGGCCACGCAAACGGGCCCGGGGGCGC[G>T]GACCGGAGCTGCCGCCTCCGTTGCCTCAGCAGCCGCTGGCCCACATGCACAGTGGCCAGC-3'
Protein context (NP_000095.2, residues 39-59): LLRQRRRQLR[Ser49=]APPGPFAWPL